The following is an entry in ClinVar:

NM_017668.3(NDE1):c.872C>T (p.Ser291Phe)

Gene: NDE1 (nudE neurodevelopment protein 1; plus strand). Cytogenetic location: 16p13.11.
Variant type: single nucleotide variant.
Coding change: c.872C>T on transcript NM_017668.3 (MANE Select); coding-DNA position 872, C replaced by T.
Protein change: p.Ser291Phe; replaces serine 291 with phenylalanine.
Molecular consequence: missense variant.
Genome position (GRCh38, 1-based): chr16:15,696,785, C>T. VCF-style: chr16-15696785-C-T. GRCh37 (hg19) VCF-style: chr16-15790642-C-T.
Other names: c.872C>T, p.Ser291Phe (NM_001143979.2); short protein forms S291F.
Identifiers: ClinVar variation 159020 (VCV000159020.24), dbSNP rs146284370, ClinGen allele CA172626.

ClinVar aggregate classification (germline): Conflicting classifications of pathogenicity. Review status: criteria provided, conflicting classifications (1 of 4 stars). 9 submissions from 9 submitters: Uncertain significance (4); Benign (1); Likely benign (3). 1 of the submissions does not count toward it. Last evaluated 2026-01-27.

Conditions:
Lissencephaly 4 (LIS4). Also called: Lissencephaly 4 (with microcephaly). Identifiers: Orphanet 1083, MedGen C3151461, MONDO:0013527, OMIM 614019.
NDE1-related microhydranencephaly (MHAC). Also called: HYDRANENCEPHALY AND MICROCEPHALY. Identifiers: Orphanet 443162, MedGen C1857977, MONDO:0011504, OMIM 605013.
Intellectual disability. Also called: Intellectual developmental disorder; Intellectual functioning disability; intellectual disabilities. Identifiers: MedGen C3714756, MeSH D008607, MONDO:0001071, HP:0001249.

Allele frequency attached by ClinVar (database versions not stated): ESP Exome Variant Server 0.00038; gnomAD 0.00055 and 0.00053; TOPMed 0.00058; 1000 Genomes Project 30x 0.00109; gnomAD exomes 0.00051; ExAC 0.00055; 1000 Genomes Project 0.00100.
gnomAD v4.1: 832 of 1,614,226 alleles (0.052%); highest among the groups gnomAD compares: Middle Eastern, 0.35%; 1 homozygote.

Submissions (9):

Labcorp Genetics (formerly Invitae), Labcorp
Classification: Benign. Last evaluated: 2026-01-27. Review status: criteria provided, single submitter. Criteria: Invitae Variant Classification Sherloc (09022015). Collection method: clinical testing. Allele origin: germline.

ARUP Laboratories, Molecular Genetics and Genomics, ARUP Laboratories
Classification: Likely benign. Last evaluated: 2024-03-19. Review status: criteria provided, single submitter. Criteria: ARUP Molecular Germline Variant Investigation Process 2024. Collection method: clinical testing. Allele origin: germline.

GeneDx
Classification: Likely benign. Last evaluated: 2024-02-29. Review status: criteria provided, single submitter. Criteria: GeneDx Variant Classification Process June 2021. Collection method: clinical testing. Allele origin: germline. Affected: yes.
Comment: See Variant Classification Assertion Criteria.

Revvity Omics, Revvity
Classification: Uncertain significance. Last evaluated: 2019-09-16. Review status: criteria provided, single submitter. Criteria: ACMG Guidelines, 2015. Collection method: clinical testing. Allele origin: germline.

Fulgent Genetics
Classification: Uncertain significance for NDE1-related microhydranencephaly; Lissencephaly 4. Last evaluated: 2018-10-31. Review status: criteria provided, single submitter. Criteria: ACMG Guidelines, 2015. Collection method: clinical testing. Allele origin: unknown.

Baylor Genetics
Classification: Uncertain significance for Lissencephaly 4. Last evaluated: 2017-09-01. Review status: criteria provided, single submitter. Criteria: ACMG Guidelines, 2015. Collection method: clinical testing. Allele origin: maternal. Inheritance: Autosomal recessive inheritance. Affected: yes.
Comment: Heterozygotes are expected to be asymptomatic carriers.

Illumina Laboratory Services, Illumina
Classification: Likely benign for Lissencephaly 4. Last evaluated: 2017-04-27. Review status: criteria provided, single submitter. Criteria: ICSL Variant Classification Criteria 13 December 2019. Collection method: clinical testing. Allele origin: germline.
Comment: This variant was observed as part of a predisposition screen in an ostensibly healthy population. A literature search was performed for the gene, cDNA change, and amino acid change (where applicable). No publications were found based on this search. Allele frequency data from public databases allowed determination this variant is unlikely to cause disease. Therefore, this variant is classified as likely benign.

Genetic Services Laboratory, University of Chicago
Classification: Uncertain significance for Lissencephaly 4. Last evaluated: 2014-02-17. Review status: criteria provided, single submitter. Criteria: ACMG Guidelines, 2007. Collection method: clinical testing. Allele origin: germline. Inheritance: Autosomal recessive inheritance.

Centre de Biologie Pathologie Génétique, Centre Hospitalier Universitaire de Lille
Classification: Uncertain significance for Intellectual disability. Last evaluated: 2019-01-01. Review status: no assertion criteria provided. Collection method: clinical testing. Allele origin: unknown. Affected: yes. Not counted in ClinVar's aggregate classification.

Literature cited by the submitters: PubMed 25326635 (cited by Baylor Genetics).